The following is an entry in ClinVar:

ClinVar aggregate classification (germline): Conflicting classifications of pathogenicity. Review status: criteria provided, conflicting classifications (1 of 4 stars). 2 submissions from 2 submitters: Uncertain significance (1); Likely benign (1). Last evaluated 2024-05-06.

Allele frequency attached by ClinVar (database versions not stated): gnomAD exomes 0.00003 and 0.00001; gnomAD 0.00016 and 0.00015; ExAC 0.00004; ESP Exome Variant Server 0.00038; TOPMed 0.00012.

Submissions (3):

Labcorp Genetics (formerly Invitae), Labcorp
Classification: Uncertain significance. Last evaluated: 2024-05-06. Review status: criteria provided, single submitter. Criteria: Invitae Variant Classification Sherloc (09022015). Collection method: clinical testing. Allele origin: germline.
Comment: This sequence change falls in intron 2 of the TPRN gene. It does not directly change the encoded amino acid sequence of the TPRN protein. It affects a nucleotide within the consensus splice site. This variant is present in population databases (rs376962634, gnomAD 0.05%). This variant has not been reported in the literature in individuals affected with TPRN-related conditions. ClinVar contains an entry for this variant (Variation ID: 513085). Variants that disrupt the consensus splice site are a relatively common cause of aberrant splicing (PMID: 17576681, 9536098). Algorithms developed to predict the effect of sequence changes on RNA splicing suggest that this variant is not likely to affect RNA splicing. In summary, the available evidence is currently insufficient to determine the role of this variant in disease. Therefore, it has been classified as a Variant of Uncertain Significance.

GeneDx
Classification: Likely benign. Last evaluated: 2017-11-06. Review status: criteria provided, single submitter. Criteria: GeneDx Variant Classification (06012015). Collection method: clinical testing. Allele origin: germline. Affected: yes.
Comment: This variant is considered likely benign or benign based on one or more of the following criteria: it is a conservative change, it occurs at a poorly conserved position in the protein, it is predicted to be benign by multiple in silico algorithms, and/or has population frequency not consistent with disease.

Dr. Peter K. Rogan Lab, Western University
No classification provided (evidence only). Condition: Uterine corpus endometrial carcinoma. Review status: no classification provided. Collection method: in vitro. Allele origin: not applicable. Functional consequence: retained intron. Not counted in ClinVar's aggregate classification.

Literature cited by the submitters: PubMed 17576681 (cited by Labcorp Genetics (formerly Invitae), Labcorp); PubMed 9536098 (cited by Labcorp Genetics (formerly Invitae), Labcorp).

NM_001128228.3(TPRN):c.1966+6T>C

Gene: TPRN (taperin; minus strand). Cytogenetic location: 9q34.3.
Variant type: single nucleotide variant.
Coding change: c.1966+6T>C on transcript NM_001128228.3 (MANE Select); 6 bases into the intron after coding-DNA position 1966, T replaced by C.
Molecular consequence: intron variant.
Genome position (GRCh38, 1-based): chr9:137,192,445, A>G on the plus strand (T>C on the coding strand, the complement: TPRN is on the minus strand). VCF-style: chr9-137192445-A-G. GRCh37 (hg19) VCF-style: chr9-140086897-A-G.
Identifiers: ClinVar variation 513085 (VCV000513085.6), dbSNP rs376962634, ClinGen allele CA5362579.